The following is an entry in ClinVar:

ClinVar aggregate classification (germline): Uncertain significance (1 of 4 stars; one submission).

Conditions:
Arrhythmogenic right ventricular dysplasia 13. Also called: Arrhythmogenic right ventricular dysplasia, familial, 13; ARRHYTHMOGENIC RIGHT VENTRICULAR CARDIOMYOPATHY 13. Identifiers: MedGen C3810138, MONDO:0000908, OMIM 615616.

gnomAD v4.1: 9 of 1,606,674 alleles (0.00056%); highest among the groups gnomAD compares: African/African-American, 0.0054%; no homozygotes.

Submission:

Labcorp Genetics (formerly Invitae), Labcorp
Classification: Uncertain significance for Arrhythmogenic right ventricular dysplasia 13. Last evaluated: 2026-01-28. Review status: criteria provided, single submitter. Criteria: Invitae Variant Classification Sherloc (09022015). Collection method: clinical testing. Allele origin: germline.
Comment: This sequence change falls in intron 10 of the CTNNA3 gene. It does not directly change the encoded amino acid sequence of the CTNNA3 protein. This variant is present in population databases (no rsID available, gnomAD 0.007%). This variant has not been reported in the literature in individuals affected with CTNNA3-related conditions. Algorithms developed to predict the effect of sequence changes on RNA splicing suggest that this variant may disrupt the consensus splice site. In summary, the available evidence is currently insufficient to determine the role of this variant in disease. Therefore, it has been classified as a Variant of Uncertain Significance.

NM_013266.4(CTNNA3):c.1375-16A>G

Gene: CTNNA3 (catenin alpha 3; minus strand). Cytogenetic location: 10q21.3.
Variant type: single nucleotide variant.
Coding change: c.1375-16A>G on transcript NM_013266.4 (MANE Select); 16 bases into the intron before coding-DNA position 1375, A replaced by G.
Molecular consequence: intron variant.
Genome position (GRCh38, 1-based): chr10:66,520,789, T>C on the plus strand (A>G on the coding strand, the complement: CTNNA3 is on the minus strand). VCF-style: chr10-66520789-T-C. GRCh37 (hg19) VCF-style: chr10-68280547-T-C.
Other names: c.1375-16A>G (NM_001127384.3).
Identifiers: ClinVar variation 4803495 (VCV004803495.1).